The following is an entry in ClinVar:

NM_013275.6(ANKRD11):c.7433T>C (p.Leu2478Pro)

Gene: ANKRD11 (ankyrin repeat domain 11; minus strand). Cytogenetic location: 16q24.3.
Variant type: single nucleotide variant.
Coding change: c.7433T>C on transcript NM_013275.6 (MANE Select); coding-DNA position 7433, T replaced by C.
Protein change: p.Leu2478Pro; replaces leucine 2478 with proline.
Molecular consequence: missense variant.
Genome position (GRCh38, 1-based): chr16:89,279,109, A>G on the plus strand (T>C on the coding strand, the complement: ANKRD11 is on the minus strand). VCF-style: chr16-89279109-A-G. GRCh37 (hg19) VCF-style: chr16-89345517-A-G.
Other names: c.7433T>C, p.Leu2478Pro (NM_001256182.2, NM_001256183.2); short protein forms L2478P.
Identifiers: ClinVar variation 2837880 (VCV002837880.3), dbSNP rs2544218340, ClinGen allele CA397148359.

ClinVar aggregate classification (germline): Pathogenic (1 of 4 stars; one submission).

Conditions:
KBG syndrome (KBGS). Also called: ANKRD11-Related KBG Syndrome. Identifiers: Orphanet 2332, MedGen C0220687, MONDO:0007846, OMIM 148050.

Submission:

Labcorp Genetics (formerly Invitae), Labcorp
Classification: Pathogenic for KBG syndrome. Last evaluated: 2025-02-24. Review status: criteria provided, single submitter. Criteria: Invitae Variant Classification Sherloc (09022015). Collection method: clinical testing. Allele origin: germline.
Comment: This sequence change replaces leucine, which is neutral and non-polar, with proline, which is neutral and non-polar, at codon 2478 of the ANKRD11 protein (p.Leu2478Pro). This variant is not present in population databases (gnomAD no frequency). This missense change has been observed in individual(s) with Cornelia de Lange syndrome (internal data). In at least one individual the variant was observed to be de novo. ClinVar contains an entry for this variant (Variation ID: 2837880). Invitae Evidence Modeling of protein sequence and biophysical properties (such as structural, functional, and spatial information, amino acid conservation, physicochemical variation, residue mobility, and thermodynamic stability) indicates that this missense variant is expected to disrupt ANKRD11 protein function with a positive predictive value of 95%. For these reasons, this variant has been classified as Pathogenic.